The following is an entry in ClinVar:

NM_006208.3(ENPP1):c.2500G>A (p.Val834Met)

Gene: ENPP1 (ectonucleotide pyrophosphatase/phosphodiesterase 1; plus strand). Cytogenetic location: 6q23.2.
Variant type: single nucleotide variant.
Coding change: c.2500G>A on transcript NM_006208.3 (MANE Select); coding-DNA position 2500, G replaced by A.
Protein change: p.Val834Met; replaces valine 834 with methionine.
Molecular consequence: missense variant.
Genome position (GRCh38, 1-based): chr6:131,886,617, G>A. VCF-style: chr6-131886617-G-A. GRCh37 (hg19) VCF-style: chr6-132207757-G-A.
Other names: short protein forms V834M.
Identifiers: ClinVar variation 3004805 (VCV003004805.3), dbSNP rs1042863789, ClinGen allele CA147904274.

ClinVar aggregate classification (germline): Uncertain significance (1 of 4 stars; one submission).

Allele frequency attached by ClinVar (database versions not stated): gnomAD 0.00001; gnomAD exomes 0.00001; TOPMed below 0.00001.
gnomAD v4.1: 14 of 1,613,778 alleles (0.00087%); highest among the groups gnomAD compares: African/African-American, 0.0093%; 1 homozygote.

Submission:

Labcorp Genetics (formerly Invitae), Labcorp
Classification: Uncertain significance. Last evaluated: 2025-09-02. Review status: criteria provided, single submitter. Criteria: Invitae Variant Classification Sherloc (09022015). Collection method: clinical testing. Allele origin: germline.
Comment: This sequence change replaces valine, which is neutral and non-polar, with methionine, which is neutral and non-polar, at codon 834 of the ENPP1 protein (p.Val834Met). This variant is present in population databases (no rsID available, gnomAD 0.006%). This variant has not been reported in the literature in individuals affected with ENPP1-related conditions. ClinVar contains an entry for this variant (Variation ID: 3004805). Invitae Evidence Modeling of protein sequence and biophysical properties (such as structural, functional, and spatial information, amino acid conservation, physicochemical variation, residue mobility, and thermodynamic stability) indicates that this missense variant is not expected to disrupt ENPP1 protein function with a negative predictive value of 80%. In summary, the available evidence is currently insufficient to determine the role of this variant in disease. Therefore, it has been classified as a Variant of Uncertain Significance.